The following is an entry in ClinVar:

NM_000642.3(AGL):c.2372A>G (p.Lys791Arg)

Gene: AGL (amylo-alpha-1,6-glucosidase and 4-alpha-glucanotransferase; plus strand). Cytogenetic location: 1p21.2.
Variant type: single nucleotide variant.
Coding change: c.2372A>G on transcript NM_000642.3 (MANE Select); coding-DNA position 2372, A replaced by G.
Protein change: p.Lys791Arg; replaces lysine 791 with arginine.
Molecular consequence: missense variant.
Genome position (GRCh38, 1-based): chr1:99,884,183, A>G. VCF-style: chr1-99884183-A-G. GRCh37 (hg19) VCF-style: chr1-100349739-A-G.
Other names: c.2372A>G, p.Lys791Arg (NM_000028.3, NM_000643.3, NM_000644.3 and 2 more transcripts); c.2324A>G, p.Lys775Arg (NM_000646.3); c.2171A>G, p.Lys724Arg (NM_001425327.1); c.2168A>G, p.Lys723Arg (NM_001425328.1, NM_001425329.1); c.1994A>G, p.Lys665Arg (NM_001425332.1); short protein forms K775R, K791R, K665R, K723R, K724R.
Identifiers: ClinVar variation 964812 (VCV000964812.5), dbSNP rs1557766791, ClinGen allele CA341320769.
Genomic context (GRCh38, chr1:99,884,183, plus strand): 5'-AAATTGAAGAAGTAGTTCTTGAAGCTAGAACTATTGAGAGAAACACGAAACCTTATAGGA[A>G]GGATGAGAATTCAATCAATGGAACACCAGATATCACAGTAGAAATTAGAGAACATATTCA-3'
Protein context (NP_000633.2, residues 781-801): TIERNTKPYR[Lys791Arg]DENSINGTPD

ClinVar aggregate classification (germline): Uncertain significance. Review status: criteria provided, multiple submitters, no conflicts (2 of 4 stars). 3 submissions from 3 submitters: Uncertain significance (2). 1 of the submissions does not count toward it. Last evaluated 2025-06-03.

Conditions:
Glycogen storage disease type III (GSD3). Also called: FORBES DISEASE; Cori disease. Identifiers: Orphanet 366, MedGen C0017922, MONDO:0009291, OMIM 232400.
Inborn genetic diseases. Identifiers: MedGen C0950123, MeSH D030342.

Allele frequency attached by ClinVar (database versions not stated): gnomAD exomes below 0.00001.
gnomAD v4.1: 4 of 1,613,024 alleles (0.00025%); highest among the groups gnomAD compares: Non-Finnish European, 0.00034%; no homozygotes.

Submissions (3):

Ambry Genetics
Classification: Uncertain significance for Inborn genetic diseases. Last evaluated: 2025-06-03. Review status: criteria provided, single submitter. Criteria: Ambry Variant Classification Scheme 2023. Collection method: clinical testing. Allele origin: germline.

Labcorp Genetics (formerly Invitae), Labcorp
Classification: Uncertain significance for Glycogen storage disease type III. Last evaluated: 2021-08-28. Review status: criteria provided, single submitter. Criteria: Invitae Variant Classification Sherloc (09022015). Collection method: clinical testing. Allele origin: germline.
Comment: This sequence change replaces lysine with arginine at codon 791 of the AGL protein (p.Lys791Arg). The lysine residue is moderately conserved and there is a small physicochemical difference between lysine and arginine. This variant is not present in population databases (ExAC no frequency). This variant has not been reported in the literature in individuals affected with AGL-related conditions. Algorithms developed to predict the effect of missense changes on protein structure and function output the following: SIFT: "Tolerated"; PolyPhen-2: "Benign"; Align-GVGD: "Class C0". The arginine amino acid residue is found in multiple mammalian species, which suggests that this missense change does not adversely affect protein function. In summary, the available evidence is currently insufficient to determine the role of this variant in disease. Therefore, it has been classified as a Variant of Uncertain Significance.

Natera, Inc.
Classification: Uncertain significance for Glycogen storage disease type III. Last evaluated: 2025-03-12. Review status: no assertion criteria provided. Collection method: clinical testing. Allele origin: germline. Not counted in ClinVar's aggregate classification.